The following is an entry in ClinVar:

NM_000059.4(BRCA2):c.2623G>C (p.Val875Leu)

Gene: BRCA2 (BRCA2 DNA repair associated; plus strand). Cytogenetic location: 13q13.1.
Variant type: single nucleotide variant.
Coding change: c.2623G>C on transcript NM_000059.4 (MANE Select); coding-DNA position 2623, G replaced by C.
Protein change: p.Val875Leu; replaces valine 875 with leucine.
Molecular consequence: missense variant.
Genome position (GRCh38, 1-based): chr13:32,336,978, G>C. VCF-style: chr13-32336978-G-C. GRCh37 (hg19) VCF-style: chr13-32911115-G-C.
Other names: short protein forms V875L.
Identifiers: ClinVar variation 834050 (VCV000834050.7), dbSNP rs587782582, ClinGen allele CA387773203.

ClinVar aggregate classification (germline): Likely benign. Review status: criteria provided, single submitter (1 of 4 stars). 2 submissions from 2 submitters: Likely benign (1). 1 of the submissions does not count toward it. Last evaluated 2023-03-23.

Conditions:
Familial cancer of breast. Also called: hereditary breast carcinoma; BREAST CANCER, FAMILIAL; Hereditary breast cancer. Identifiers: Orphanet 227535, MedGen C0346153, MONDO:0016419, OMIM 114480. Disease mechanism: loss of function.
Hereditary cancer-predisposing syndrome. Also called: Hereditary neoplastic syndrome; Neoplastic Syndromes, Hereditary; Tumor predisposition; Hereditary Cancer Syndrome. Identifiers: Orphanet 140162, MedGen C0027672, MeSH D009386, MONDO:0015356.

Submissions (2):

University of Washington Department of Laboratory Medicine, University of Washington
Classification: Likely benign for Hereditary cancer-predisposing syndrome. Last evaluated: 2023-03-23. Review status: criteria provided, single submitter. Criteria: Dines et al. (Genet Med. 2020). Collection method: curation. Allele origin: germline.
Comment: Missense variant in a coldspot region where missense variants are very unlikely to be pathogenic (PMID:31911673).

BRCA2 exon 11 coldspot. Reclassification based on statistical prior probability.

Center of Medical Genetics and Primary Health Care
Classification: Likely pathogenic for Hereditary breast cancer. Last evaluated: 2020-04-08. Review status: no assertion criteria provided. Collection method: clinical testing. Allele origin: germline. Inheritance: Autosomal dominant inheritance. Affected: yes. Not counted in ClinVar's aggregate classification.
Comment: ACMG Guidelines 2015 criteria PS1 Pathogenic Strong: Same amino acid change as a previously established pathogenic variant regardless of nucleotide change. NM_000059.3(BRCA2):c.2623_2624del (p.Val875fs) is a known pathogenic variant PM1 Pathogenic Moderate: A non-functional domain region (Q175-1823K aa). Hot-spot has 33 non-VUS coding variants (26 pathogenic and 7 benign), pathogenicity = 78.8%, proximity score 11.311 > threshold 2.472. PM2 Pathogenic Moderate: Variant not found in GnomAD exomes. Variant not found in GnomAD genomes. PP1 Pathogenic Supporting: Variant was found in 2 sisters diagnosed with breast cancer and with family history of breast cancer BP4 Benign Supporting: 8 benign predictions from DANN, EIGEN, FATHMM-MKL, MVP, MutationTaster, PrimateAI, REVEL and SIFT vs 1 pathogenic prediction from M-CAP and the position is not conserved. Therefore, this variant was classified as a Likely Pathogenic.